The following is an entry in ClinVar:

NM_001371928.1(AHDC1):c.2588A>C (p.Glu863Ala)

Gene: AHDC1 (AT-hook DNA binding motif containing 1; minus strand). Cytogenetic location: 1p36.11.
Variant type: single nucleotide variant.
Coding change: c.2588A>C on transcript NM_001371928.1 (MANE Select); coding-DNA position 2588, A replaced by C.
Protein change: p.Glu863Ala; replaces glutamic acid 863 with alanine.
Molecular consequence: missense variant.
Genome position (GRCh38, 1-based): chr1:27,549,528, T>G on the plus strand (A>C on the coding strand, the complement: AHDC1 is on the minus strand). VCF-style: chr1-27549528-T-G. GRCh37 (hg19) VCF-style: chr1-27876039-T-G.
Other names: c.2588A>C, p.Glu863Ala (NM_001029882.3); short protein forms E863A.
Identifiers: ClinVar variation 2124451 (VCV002124451.4), dbSNP rs2019401862, ClinGen allele CA339230207.
Genomic context (GRCh38, chr1:27,549,528, plus strand): 5'-CGCTGGGCAGGCAGGGCACTGGTGGGTGGCCCTGCATAGGTGCCCGATGCCTTCCGGGAC[T>G]CTGGGCGAGAGGCTGAGAGGGCAAAGTCCAAGAGATCGGAGGAGTCATCCGAATCGAGCA-3'
Protein context (NP_001358857.1, residues 853-873): LDFALSASRP[Glu863Ala]SRKASGTYAG

ClinVar aggregate classification (germline): Uncertain significance (1 of 4 stars; one submission).

Allele frequency attached by ClinVar (database versions not stated): TOPMed below 0.00001.
gnomAD v4.1: 4 of 1,613,290 alleles (0.00025%); highest among the groups gnomAD compares: Non-Finnish European, 0.00034%; no homozygotes.

Submission:

Labcorp Genetics (formerly Invitae), Labcorp
Classification: Uncertain significance. Last evaluated: 2022-05-13. Review status: criteria provided, single submitter. Criteria: Invitae Variant Classification Sherloc (09022015). Collection method: clinical testing. Allele origin: germline.
Comment: In summary, the available evidence is currently insufficient to determine the role of this variant in disease. Therefore, it has been classified as a Variant of Uncertain Significance. Algorithms developed to predict the effect of missense changes on protein structure and function are either unavailable or do not agree on the potential impact of this missense change (SIFT: "Deleterious"; PolyPhen-2: "Possibly Damaging"; Align-GVGD: "Class C0"). This variant has not been reported in the literature in individuals affected with AHDC1-related conditions. This variant is not present in population databases (gnomAD no frequency). This sequence change replaces glutamic acid, which is acidic and polar, with alanine, which is neutral and non-polar, at codon 863 of the AHDC1 protein (p.Glu863Ala).